The following is an entry in ClinVar:

ClinVar aggregate classification (germline): Likely pathogenic (1 of 4 stars; one submission).

Conditions:
Amelogenesis imperfecta type 1H. Also called: Amelogenesis imperfecta, type IH. Identifiers: Orphanet 88661, MedGen C4015557, MONDO:0014540, OMIM 616221.

gnomAD v4.1: 1 of 1,611,854 alleles (0.000062%); highest among the groups gnomAD compares: Non-Finnish European, 0.000085%; no homozygotes.

Submission:

Center of Excellence in Precision Medicine and Digital Health (CEPMDH), Faculty of Dentistry, Chulalongkorn University
Classification: Likely pathogenic for Amelogenesis imperfecta type 1H. Review status: criteria provided, single submitter. Criteria: ACMG Guidelines, 2015. Collection method: clinical testing. Allele origin: paternal, germline. Inheritance: Autosomal recessive inheritance. Affected: yes and no. Observed: 2 variant alleles, 1 heterozygote, 1 compound heterozygote.
Comment: This variant was classified as likely pathogenic by ACMG guidelines.

NM_000888.5(ITGB6):c.1661-3C>G

Gene: ITGB6 (integrin subunit beta 6; minus strand). Cytogenetic location: 2q24.2.
Variant type: single nucleotide variant.
Coding change: c.1661-3C>G on transcript NM_000888.5 (MANE Select); 3 bases into the intron before coding-DNA position 1661, C replaced by G.
Molecular consequence: intron variant.
Genome position (GRCh38, 1-based): chr2:160,126,604, G>C on the plus strand (C>G on the coding strand, the complement: ITGB6 is on the minus strand). VCF-style: chr2-160126604-G-C. GRCh37 (hg19) VCF-style: chr2-160983115-G-C.
Other names: c.1661-3C>G (NM_001282353.2); c.1376-3C>G (NM_001282354.2); c.1247-3C>G (NM_001282390.2); c.1535-3C>G (NM_001282388.2); c.1442-3C>G (NM_001282389.2); c.1660+10830C>G (NM_001282355.2).
Identifiers: ClinVar variation 1333183 (VCV001333183.2), dbSNP rs1683256077, ClinGen allele CA1302164043.